The following is an entry in ClinVar:

NC_000010.10:g.(?_55662993)_(55663140_?)dup

Gene: PCDH15 (protocadherin related 15; minus strand). Cytogenetic location: 10q21.1.
Variant type: Duplication.
Identifiers: ClinVar variation 2427106 (VCV002427106.3).

ClinVar aggregate classification (germline): Likely pathogenic (1 of 4 stars; one submission).

Submission:

Labcorp Genetics (formerly Invitae), Labcorp
Classification: Likely pathogenic. Last evaluated: 2022-03-08. Review status: criteria provided, single submitter. Criteria: Invitae Variant Classification Sherloc (09022015). Collection method: clinical testing. Allele origin: germline.
Comment: This variant results in a copy number gain of the genomic region encompassing exon(s) 26 of the PCDH15 gene. While the exact position of this variant cannot be determined from the data, sub-genic copy number gains are generally in tandem (PMID: 25640679). This variant is predicted to be out-of-frame, and may result in an absent or disrupted protein product. Loss-of-function variants in PCDH15 are known to be pathogenic (PMID: 11398101, 11487575, 14570705). This variant has not been reported in the literature in individuals affected with PCDH15-related conditions. In summary, the currently available evidence indicates that the variant is pathogenic, but additional data are needed to prove that conclusively. Therefore, this variant has been classified as Likely Pathogenic.

Literature cited by the submitters: PubMed 25640679; PubMed 11398101; PubMed 11487575; PubMed 14570705.